The following is an entry in ClinVar:

ClinVar aggregate classification (germline): Uncertain significance (1 of 4 stars; one submission).

Conditions:
CIC-related disorder. Also called: CIC-related condition.

Submission:

PreventionGenetics, part of Exact Sciences
Classification: Uncertain significance for CIC-related condition. Last evaluated: 2026-08-18. Review status: criteria provided, single submitter. Criteria: ACMG Guidelines, 2015. Collection method: clinical testing. Allele origin: germline.
Comment: The CIC c.133G>A variant is predicted to result in the amino acid substitution p.Ala45Thr. To our knowledge, this variant has not been reported in the literature or in a large population database (gnomAD), indicating this variant is rare. At this time, the clinical significance of this variant is uncertain due to the absence of conclusive functional and genetic evidence.

NM_001386298.1(CIC):c.2860G>A (p.Ala954Thr)

Gene: CIC (capicua transcriptional repressor; plus strand). Cytogenetic location: 19q13.2.
Variant type: single nucleotide variant.
Coding change: c.2860G>A on transcript NM_001386298.1 (MANE Select); coding-DNA position 2860, G replaced by A.
Protein change: p.Ala954Thr; replaces alanine 954 with threonine.
Molecular consequence: missense variant.
Genome position (GRCh38, 1-based): chr19:42,286,836, G>A. VCF-style: chr19-42286836-G-A. GRCh37 (hg19) VCF-style: chr19-42790988-G-A.
Other names: c.2860G>A, p.Ala954Thr (NM_001304815.2, NM_001379480.1, NM_001379482.1 and 6 more transcripts); c.133G>A, p.Ala45Thr (NM_001379484.1, NM_001379485.1, NM_001439189.1 and 3 more transcripts); short protein forms A45T, A954T.
Identifiers: ClinVar variation 4991632 (VCV004991632.1).
Genomic context (GRCh38, chr19:42,286,836, plus strand): 5'-ACGAATGTGGAACCTCGCTCTGTGGCTGTGTTCCCTTGGCACTCCTTAGTCCCCTTCCTG[G>A]CACCCAGCCAGCCTGACCCCTCCGTGCAGCCGAGCGAGGCCCAGCAACCTGCCAGCCACC-3'
Protein context (NP_001373227.1, residues 944-964): FPWHSLVPFL[Ala954Thr]PSQPDPSVQP